The following is an entry in ClinVar:

NM_000138.5(FBN1):c.6055G>A (p.Glu2019Lys)

Gene: FBN1 (fibrillin 1; minus strand). Cytogenetic location: 15q21.1.
Variant type: single nucleotide variant.
Coding change: c.6055G>A on transcript NM_000138.5 (MANE Select); coding-DNA position 6055, G replaced by A.
Protein change: p.Glu2019Lys; replaces glutamic acid 2019 with lysine.
Molecular consequence: missense variant.
Genome position (GRCh38, 1-based): chr15:48,441,829, C>T on the plus strand (G>A on the coding strand, the complement: FBN1 is on the minus strand). VCF-style: chr15-48441829-C-T. GRCh37 (hg19) VCF-style: chr15-48734026-C-T.
Other names: short protein forms E2019K.
Identifiers: ClinVar variation 623870 (VCV000623870.55), dbSNP rs377149130, ClinGen allele CA269530749.

ClinVar aggregate classification (germline): Conflicting classifications of pathogenicity. Review status: criteria provided, conflicting classifications (1 of 4 stars). 7 submissions from 7 submitters: Uncertain significance (2); Likely benign (3). 2 of the submissions do not count toward it. Last evaluated 2025-10-19.

Conditions:
Marfan syndrome (MFS). Also called: Marfan syndrome, classic; MARFAN SYNDROME, TYPE I; FBN1-Related Marfan Syndrome; Marfan syndrome type 1; Marfan's syndrome. Identifiers: Orphanet 284963, Orphanet 558, MedGen C0024796, MONDO:0007947, OMIM 154700.
Familial thoracic aortic aneurysm and aortic dissection (TAAD). Also called: Thoracic aortic aneurysms and dissections. Identifiers: Orphanet 91387, MedGen C4707243, MONDO:0019625.

Allele frequency attached by ClinVar (database versions not stated): gnomAD exomes 0.00002 and 0.00003; gnomAD 0.00004; TOPMed 0.00004; ESP Exome Variant Server 0.00008.
gnomAD v4.1: 51 of 1,613,306 alleles (0.0032%); highest among the groups gnomAD compares: Admixed American, 0.0083%; no homozygotes.

Submissions (7):

Labcorp Genetics (formerly Invitae), Labcorp
Classification: Likely benign for Marfan syndrome; Familial thoracic aortic aneurysm and aortic dissection. Last evaluated: 2025-10-19. Review status: criteria provided, single submitter. Criteria: Invitae Variant Classification Sherloc (09022015). Collection method: clinical testing. Allele origin: germline.

Color Diagnostics, LLC DBA Color Health
Classification: Likely benign for Familial thoracic aortic aneurysm and aortic dissection. Last evaluated: 2024-08-07. Review status: criteria provided, single submitter. Criteria: ACMG Guidelines, 2015. Collection method: clinical testing. Allele origin: germline.

All of Us Research Program, National Institutes of Health
Classification: Uncertain significance for Marfan syndrome. Last evaluated: 2023-11-30. Review status: criteria provided, single submitter. Criteria: ACMG Guidelines, 2015. Collection method: clinical testing. Allele origin: germline. Inheritance: Autosomal dominant inheritance. Observed: 3 variant alleles, 3 heterozygotes.
Comment: This missense variant replaces glutamic acid with lysine at codon 2019 of the FBN1 protein. Computational prediction suggests that this variant may not impact protein structure and function (internally defined REVEL score threshold <= 0.5, PMID: 27666373). Splice site prediction tools suggest that this variant may not impact RNA splicing. To our knowledge, functional studies have not been performed for this variant. This variant has been reported in two individuals who did not meet Marfan syndrome diagnosis but had a family history of Marfan syndrome (PMID: 21883168). This variant has been reported in an individual affected with sporadic sporadic abdominal aortic aneurysm (PMID 26017485). This variant has been identified in 6/281986 chromosomes in the general population by the Genome Aggregation Database (gnomAD). The available evidence is insufficient to determine the role of this variant in disease conclusively. Therefore, this variant is classified as a Variant of Uncertain Significance.

This study involves interpretation of variants in research participants for the purpose of population health screening. Participant phenotype was not available at the time of variant classification. Additional details can be found in publication PMID: 35346344, PMCID: PMC8962531

Blueprint Genetics
Classification: Uncertain significance. Last evaluated: 2023-08-25. Review status: criteria provided, single submitter. Criteria: ACMG Guidelines, 2015. Collection method: clinical testing. Allele origin: germline.

CeGaT Center for Human Genetics Tuebingen
Classification: Likely benign. Last evaluated: 2018-08-01. Review status: criteria provided, single submitter. Criteria: CeGaT Center For Human Genetics Tuebingen Variant Classification Criteria Version 2. Collection method: clinical testing. Allele origin: germline. Affected: yes. Observed: 3 variant alleles.

Clinical Genetics DNA and cytogenetics Diagnostics Lab, Erasmus MC, Erasmus Medical Center
Classification: Uncertain significance. Review status: no assertion criteria provided. Collection method: clinical testing. Allele origin: germline. Affected: yes. Study: VKGL Data-share Consensus. Not counted in ClinVar's aggregate classification.

Genome Diagnostics Laboratory, Amsterdam University Medical Center
Classification: Uncertain significance. Review status: no assertion criteria provided. Collection method: clinical testing. Allele origin: germline. Affected: yes. Study: VKGL Data-share Consensus. Not counted in ClinVar's aggregate classification.

Literature cited by the submitters: PubMed 21883168 (cited by All of Us Research Program, National Institutes of Health).